The following is an entry in ClinVar:

ClinVar aggregate classification (germline): Likely benign (0 of 4 stars; one submission).

Conditions:
PCSK1-related disorder. Also called: PCSK1-related condition.

gnomAD v4.1: 1 of 1,614,060 alleles (0.000062%); highest among the groups gnomAD compares: Admixed American, 0.0017%; no homozygotes.

Submission:

PreventionGenetics, part of Exact Sciences
Classification: Likely benign for PCSK1-related condition. Last evaluated: 2023-09-01. Review status: no assertion criteria provided. Collection method: clinical testing. Allele origin: germline.
Comment: This variant is classified as likely benign based on ACMG/AMP sequence variant interpretation guidelines (Richards et al. 2015 PMID: 25741868, with internal and published modifications).

NM_000439.5(PCSK1):c.2205G>A (p.Lys735=)

Genes: CAST (calpastatin; plus strand), PCSK1 (proprotein convertase subtilisin/kexin type 1; minus strand), LOC101929710 (uncharacterized LOC101929710; plus strand). Cytogenetic location: 5q15.
Variant type: single nucleotide variant.
Coding change: c.2205G>A on transcript NM_000439.5 (MANE Select); coding-DNA position 2205, G replaced by A.
Protein change: p.Lys735=; no amino-acid change (lysine 735 retained).
Molecular consequence: synonymous variant. On other transcripts: intron variant (11).
Genome position (GRCh38, 1-based): chr5:96,393,058, C>T on the plus strand (G>A on the coding strand, the complement: PCSK1 is on the minus strand). VCF-style: chr5-96393058-C-T. GRCh37 (hg19) VCF-style: chr5-95728762-C-T.
Other names: c.2064G>A, p.Lys688= (NM_001177875.2); c.-175+13406C>T (NM_001423254.1, NM_001423259.1, NM_001423255.1 and 6 more transcripts); c.-103+13406C>T (NM_001423253.1); c.-40+13406C>T (NM_001423258.1).
Identifiers: ClinVar variation 3349490 (VCV003349490.1).
Genomic context (GRCh38, chr5:96,393,058, plus strand): 5'-ATTTTAATTTTCCTCATTCAGAATGTCCACCAGAGCTTGAAGCAGCCGGTCGTCTCTGTG[C>T]TTGTAAGGTTTAGTGTTATAAAAAACATCAACATAGTCATTATACAGACTGTCTTCAGAG-3'
Protein context (NP_000430.3, residues 725-745): VDVFYNTKPY[Lys735=]HRDDRLLQAL